The following is an entry in ClinVar:

NM_000263.4(NAGLU):c.721G>T (p.Val241Leu)

Gene: NAGLU (N-acetyl-alpha-glucosaminidase; plus strand). Cytogenetic location: 17q21.2.
Variant type: single nucleotide variant.
Coding change: c.721G>T on transcript NM_000263.4 (MANE Select); coding-DNA position 721, G replaced by T.
Protein change: p.Val241Leu; replaces valine 241 with leucine.
Molecular consequence: missense variant.
Genome position (GRCh38, 1-based): chr17:42,538,712, G>T. VCF-style: chr17-42538712-G-T. GRCh37 (hg19) VCF-style: chr17-40690730-G-T.
Other names: short protein forms V241L.
Identifiers: ClinVar variation 2173651 (VCV002173651.1), dbSNP rs2092913856, ClinGen allele CA399598998.

ClinVar aggregate classification (germline): Uncertain significance (1 of 4 stars; one submission).

Conditions:
Charcot-Marie-Tooth disease axonal type 2V. Also called: CHARCOT-MARIE-TOOTH NEUROPATHY, TYPE 2V; CHARCOT-MARIE-TOOTH DISEASE, AXONAL, AUTOSOMAL DOMINANT, TYPE 2V. Identifiers: Orphanet 447964, MedGen C5569050, MONDO:0014665, OMIM 616491.
Mucopolysaccharidosis, MPS-III-B (MPS3B). Also called: N-ACETYL-ALPHA-D-GLUCOSAMINIDASE DEFICIENCY; NAGLU DEFICIENCY; SANFILIPPO SYNDROME B; MPS III B; MUCOPOLYSACCHARIDOSIS, TYPE IIIB; MPS IIIB (Sanfilippo Syndrome Type B). Identifiers: Orphanet 79270, MedGen C0086648, MONDO:0009656, OMIM 252920.

Allele frequency attached by ClinVar (database versions not stated): gnomAD 0.00001; gnomAD exomes below 0.00001; TOPMed 0.00001.
gnomAD v4.1: 4 of 1,613,934 alleles (0.00025%); highest among the groups gnomAD compares: Non-Finnish European, 0.00034%; no homozygotes.

Submission:

Labcorp Genetics (formerly Invitae), Labcorp
Classification: Uncertain significance for Charcot-Marie-Tooth disease axonal type 2V; Mucopolysaccharidosis, MPS-III-B. Last evaluated: 2022-04-01. Review status: criteria provided, single submitter. Criteria: Invitae Variant Classification Sherloc (09022015). Collection method: clinical testing. Allele origin: germline.
Comment: This sequence change replaces valine, which is neutral and non-polar, with leucine, which is neutral and non-polar, at codon 241 of the NAGLU protein (p.Val241Leu). This variant is not present in population databases (gnomAD no frequency). This variant has not been reported in the literature in individuals affected with NAGLU-related conditions. Advanced modeling of protein sequence and biophysical properties (such as structural, functional, and spatial information, amino acid conservation, physicochemical variation, residue mobility, and thermodynamic stability) performed at Invitae indicates that this missense variant is expected to disrupt NAGLU protein function. In summary, the available evidence is currently insufficient to determine the role of this variant in disease. Therefore, it has been classified as a Variant of Uncertain Significance.